The following is an entry in ClinVar:

NM_004589.4(SCO1):c.*18G>A

Gene: SCO1 (synthesis of cytochrome C oxidase 1; minus strand). Cytogenetic location: 17p13.1.
Variant type: single nucleotide variant.
Coding change: c.*18G>A on transcript NM_004589.4 (MANE Select); 18 bases downstream of the stop codon, G replaced by A.
Molecular consequence: 3 prime UTR variant.
Genome position (GRCh38, 1-based): chr17:10,681,101, C>T on the plus strand (G>A on the coding strand, the complement: SCO1 is on the minus strand). VCF-style: chr17-10681101-C-T. GRCh37 (hg19) VCF-style: chr17-10584418-C-T.
Identifiers: ClinVar variation 380438 (VCV000380438.2), dbSNP rs114082934, ClinGen allele CA8393444.

ClinVar aggregate classification (germline): Likely benign. Review status: criteria provided, multiple submitters, no conflicts (2 of 4 stars). 2 submissions from 2 submitters: Likely benign (2). Last evaluated 2024-04-05.

Allele frequency attached by ClinVar (database versions not stated): gnomAD exomes 0.00011 and 0.00031; ExAC 0.00042; ESP Exome Variant Server 0.00123; TOPMed 0.00125; 1000 Genomes Project 30x 0.00156; 1000 Genomes Project 0.00160.
gnomAD v4.1: 344 of 1,614,148 alleles (0.021%); highest among the groups gnomAD compares: African/African-American, 0.39%; 1 homozygote.

Submissions (2):

Blueprint Genetics
Classification: Likely benign. Last evaluated: 2024-04-05. Review status: criteria provided, single submitter. Criteria: ACMG Guidelines, 2015. Collection method: clinical testing. Allele origin: germline.

GeneDx
Classification: Likely benign. Last evaluated: 2017-05-01. Review status: criteria provided, single submitter. Criteria: GeneDx Variant Classification (06012015). Collection method: clinical testing. Allele origin: germline. Affected: yes.
Comment: This variant is considered likely benign or benign based on one or more of the following criteria: it is a conservative change, it occurs at a poorly conserved position in the protein, it is predicted to be benign by multiple in silico algorithms, and/or has population frequency not consistent with disease.